The following is an entry in ClinVar:

ClinVar aggregate classification (germline): Uncertain significance. Review status: criteria provided, multiple submitters, no conflicts (2 of 4 stars). 2 submissions from 2 submitters: Uncertain significance (2). Last evaluated 2024-06-06.

Conditions:
Infantile-onset X-linked spinal muscular atrophy. Also called: AMC, DISTAL, X-LINKED; ARTHROGRYPOSIS, X-LINKED, TYPE I; SPINAL MUSCULAR ATROPHY, X-LINKED LETHAL INFANTILE; Spinal Muscular Atrophy, X-Linked Infantile; Spinal muscular atrophy, X-linked 2. Identifiers: Orphanet 1145, MedGen C1844934, MONDO:0010532, OMIM 301830.

Submissions (2):

Dasa
Classification: Uncertain significance. Last evaluated: 2024-06-06. Review status: criteria provided, single submitter. Criteria: DASA Assertion Criteria. Collection method: clinical testing. Allele origin: germline.
Comment: NM_003334.4(UBA1):c.448C>T (p.Pro150Ser) is a missense variant that results in the substitution of proline with serine. This variant is rare in population databases. Computational prediction algorithms are consistent with a benign effect. The currently available literature and clinical evidence are not sufficient to establish a definitive association between this variant and the reported condition. Therefore, this variant is classified as a variant of uncertain significance.

Labcorp Genetics (formerly Invitae), Labcorp
Classification: Uncertain significance for Infantile-onset X-linked spinal muscular atrophy. Last evaluated: 2024-03-07. Review status: criteria provided, single submitter. Criteria: Invitae Variant Classification Sherloc (09022015). Collection method: clinical testing. Allele origin: germline.
Comment: This sequence change replaces proline, which is neutral and non-polar, with serine, which is neutral and polar, at codon 150 of the UBA1 protein (p.Pro150Ser). This variant is not present in population databases (gnomAD no frequency). This variant has not been reported in the literature in individuals affected with UBA1-related conditions. ClinVar contains an entry for this variant (Variation ID: 1951261). An algorithm developed to predict the effect of missense changes on protein structure and function (PolyPhen-2) suggests that this variant is likely to be tolerated. In summary, the available evidence is currently insufficient to determine the role of this variant in disease. Therefore, it has been classified as a Variant of Uncertain Significance.

NM_003334.4(UBA1):c.448C>T (p.Pro150Ser)

Gene: UBA1 (ubiquitin like modifier activating enzyme 1; plus strand). Cytogenetic location: Xp11.3.
Variant type: single nucleotide variant.
Coding change: c.448C>T on transcript NM_003334.4 (MANE Select); coding-DNA position 448, C replaced by T.
Protein change: p.Pro150Ser; replaces proline 150 with serine.
Molecular consequence: missense variant.
Genome position (GRCh38, 1-based): chrX:47,199,582, C>T. VCF-style: chrX-47199582-C-T. GRCh37 (hg19) VCF-style: chrX-47058981-C-T.
Other names: c.448C>T, p.Pro150Ser (NM_153280.3); short protein forms P150S.
Identifiers: ClinVar variation 1951261 (VCV001951261.7), dbSNP rs781848491, ClinGen allele CA412789952.